The following is an entry in ClinVar:

ClinVar aggregate classification (germline): Benign. Review status: criteria provided, multiple submitters, no conflicts (2 of 4 stars). 2 submissions from 2 submitters: Benign (2). Last evaluated 2018-06-19.

Allele frequency attached by ClinVar (database versions not stated): gnomAD exomes 0.26455; gnomAD 0.43387 and 0.44245; TOPMed 0.45360; 1000 Genomes Project 0.49161; 1000 Genomes Project 30x 0.49719.
gnomAD v4.1: 259,254 of 882,434 alleles (29%); highest among the groups gnomAD compares: African/African-American, 81%; 52,473 homozygotes.

Submissions (2):

GeneDx
Classification: Benign. Last evaluated: 2018-06-19. Review status: criteria provided, single submitter. Criteria: GeneDx Variant Classification (06012015). Collection method: clinical testing. Allele origin: germline. Affected: yes.
Comment: This variant is considered likely benign or benign based on one or more of the following criteria: it is a conservative change, it occurs at a poorly conserved position in the protein, it is predicted to be benign by multiple in silico algorithms, and/or has population frequency not consistent with disease.

Breakthrough Genomics
Classification: Benign. Review status: criteria provided, single submitter. Criteria: ACMG Guidelines, 2015. Collection method: not provided. Allele origin: germline. Inheritance: Autosomal recessive inheritance. Affected: yes.

NM_000089.4(COL1A2):c.3712-105T>C

Gene: COL1A2 (collagen type I alpha 2 chain; plus strand). Cytogenetic location: 7q21.3.
Variant type: single nucleotide variant.
Coding change: c.3712-105T>C on transcript NM_000089.4 (MANE Select); 105 bases into the intron before coding-DNA position 3712, T replaced by C.
Molecular consequence: intron variant.
Genome position (GRCh38, 1-based): chr7:94,429,083, T>C. VCF-style: chr7-94429083-T-C. GRCh37 (hg19) VCF-style: chr7-94058395-T-C.
Identifiers: ClinVar variation 674980 (VCV000674980.2), dbSNP rs6465412, ClinGen allele CA15509246.